The following is an entry in ClinVar:

ClinVar aggregate classification (germline): Uncertain significance. Review status: criteria provided, multiple submitters, no conflicts (2 of 4 stars). 2 submissions from 2 submitters: Uncertain significance (2). Last evaluated 2026-06-23.

Conditions:
Joubert syndrome. Also called: Familial aplasia of the vermis; JOUBERT-BOLTSHAUSER SYNDROME. Identifiers: Orphanet 475, MedGen C5979921, MONDO:0018772.
Meckel-Gruber syndrome. Also called: Dysencephalia splachnocystica; DYSENCEPHALIA SPLANCHNOCYSTICA; GRUBER SYNDROME. Identifiers: Orphanet 564, MedGen C0265215, MONDO:0018921.
TMEM67-related disorder. Also called: TMEM67-related condition; TMEM67-related disorders. Identifiers: MedGen CN239423.

Submissions (2):

PreventionGenetics, part of Exact Sciences
Classification: Uncertain significance for TMEM67-related condition. Last evaluated: 2026-06-23. Review status: criteria provided, single submitter. Criteria: ACMG Guidelines, 2015. Collection method: clinical testing. Allele origin: germline.
Comment: The TMEM67 c.1A>T variant is predicted to disrupt the translation initiation site (Start Loss). To our knowledge, this variant has not been reported in the literature or in a large population database (gnomAD), indicating this variant is rare. Although we suspect that this variant may be pathogenic, at this time, the clinical significance of this variant is uncertain due to the absence of conclusive functional and genetic evidence.

Labcorp Genetics (formerly Invitae), Labcorp
Classification: Uncertain significance for Joubert syndrome; Meckel-Gruber syndrome. Last evaluated: 2025-09-16. Review status: criteria provided, single submitter. Criteria: Invitae Variant Classification Sherloc (09022015). Collection method: clinical testing. Allele origin: germline.
Comment: This sequence change affects the initiator codon of the TMEM67 mRNA. This change may impact translation initiation or efficiency. The next in-frame methionine is located at codon 11. This variant is not present in population databases (gnomAD no frequency). This variant has not been reported in the literature in individuals affected with TMEM67-related conditions. Experimental studies and prediction algorithms are not available or were not evaluated, and the functional significance of this variant is currently unknown. In summary, the available evidence is currently insufficient to determine the role of this variant in disease. Therefore, it has been classified as a Variant of Uncertain Significance.

NM_153704.6(TMEM67):c.1A>T (p.Met1Leu)

Gene: TMEM67 (transmembrane protein 67; plus strand). Cytogenetic location: 8q22.1.
Variant type: single nucleotide variant.
Coding change: c.1A>T on transcript NM_153704.6 (MANE Select); coding-DNA position 1, A replaced by T.
Protein change: p.Met1Leu; changes the start codon (methionine 1).
Molecular consequence: missense variant, initiator codon variant. On other transcripts: non-coding transcript variant (1), intron variant (1).
Genome position (GRCh38, 1-based): chr8:93,754,915, A>T. VCF-style: chr8-93754915-A-T. GRCh37 (hg19) VCF-style: chr8-94767143-A-T.
Other names: c.-180+6A>T (NM_001142301.1); short protein forms M1L.
Identifiers: ClinVar variation 4791415 (VCV004791415.2).